The following is an entry in ClinVar:

NM_003098.3(SNTA1):c.295G>A (p.Gly99Ser)

Genes: SNTA1 (syntrophin alpha 1; minus strand), LOC130065679 (ATAC-STARR-seq lymphoblastoid silent region 12811; plus strand). Cytogenetic location: 20q11.21.
Variant type: single nucleotide variant.
Coding change: c.295G>A on transcript NM_003098.3 (MANE Select); coding-DNA position 295, G replaced by A.
Protein change: p.Gly99Ser; replaces glycine 99 with serine.
Molecular consequence: missense variant.
Genome position (GRCh38, 1-based): chr20:33,443,326, C>T on the plus strand (G>A on the coding strand, the complement: SNTA1 is on the minus strand). VCF-style: chr20-33443326-C-T. GRCh37 (hg19) VCF-style: chr20-32031132-C-T.
Other names: c.295G>A, p.Gly99Ser (NM_001424413.1, NM_001424414.1); short protein forms G99S.
Identifiers: ClinVar variation 3799550 (VCV003799550.2).
Genomic context (GRCh38, chr20:33,443,326, plus strand): 5'-GCCCCCAGACACCACGACCCCGCGCCCTCGGTGTCCCGCGCCCACCTTTGATGCTGATGC[C>T]CAGCCCACCGGCGTCGGCCTTGCGCACCGTCACGCGGCGCCGCTGGAGCAGTAGCGCCTC-3'
Protein context (NP_003089.1, residues 89-109): TVRKADAGGL[Gly99Ser]ISIKGGRENK

ClinVar aggregate classification (germline): Uncertain significance (1 of 4 stars; one submission).

Conditions:
Cardiovascular phenotype. Identifiers: MedGen CN230736.

gnomAD v4.1: 3 of 1,507,852 alleles (0.0002%); highest among the groups gnomAD compares: Non-Finnish European, 0.00026%; no homozygotes.

Submission:

Ambry Genetics
Classification: Uncertain significance for Cardiovascular phenotype. Last evaluated: 2024-12-31. Review status: criteria provided, single submitter. Criteria: Ambry Variant Classification Scheme 2023. Collection method: clinical testing. Allele origin: germline.
Comment: The p.G99S variant (also known as c.295G>A), located in coding exon 1 of the SNTA1 gene, results from a G to A substitution at nucleotide position 295. The glycine at codon 99 is replaced by serine, an amino acid with similar properties. This amino acid position is conserved. In addition, this alteration is predicted to be deleterious by in silico analysis. Based on the available evidence, the clinical significance of this variant remains unclear.